The following is an entry in ClinVar:

ClinVar aggregate classification (germline): Likely benign (1 of 4 stars; one submission).

Allele frequency attached by ClinVar (database versions not stated): ESP Exome Variant Server 0.00008; ExAC 0.00052; 1000 Genomes Project 0.00120; 1000 Genomes Project 30x 0.00125.

Submission:

CeGaT Center for Human Genetics Tuebingen
Classification: Likely benign. Last evaluated: 2022-12-01. Review status: criteria provided, single submitter. Criteria: CeGaT Center For Human Genetics Tuebingen Variant Classification Criteria Version 2. Collection method: clinical testing. Allele origin: germline. Affected: yes. Observed: 1 variant allele.
Comment: NCDN: BP4, BP7, BS2

NM_014284.3(NCDN):c.1992G>A (p.Pro664=)

Gene: NCDN (neurochondrin; plus strand). Cytogenetic location: 1p34.3.
Variant type: single nucleotide variant.
Coding change: c.1992G>A on transcript NM_014284.3 (MANE Select); coding-DNA position 1992, G replaced by A.
Protein change: p.Pro664=; no amino-acid change (proline 664 retained).
Molecular consequence: synonymous variant.
Genome position (GRCh38, 1-based): chr1:35,565,465, G>A. VCF-style: chr1-35565465-G-A. GRCh37 (hg19) VCF-style: chr1-36031066-G-A.
Other names: c.1992G>A, p.Pro664= (NM_001014839.2); c.1941G>A, p.Pro647= (NM_001014841.2).
Identifiers: ClinVar variation 2638655 (VCV002638655.24), dbSNP rs144764842, ClinGen allele CA760395.